The following is an entry in ClinVar:

ClinVar aggregate classification (germline): Likely pathogenic. Review status: criteria provided, multiple submitters, no conflicts (2 of 4 stars). 3 submissions from 3 submitters: Likely pathogenic (3). Last evaluated 2024-01-04.

Conditions:
CYP27A1-related disorder. Also called: CYP27A1-related condition.
Cholestanol storage disease (CTX). Also called: CEREBRAL CHOLESTERINOSIS; Cerebrotendinous Xanthomatosis; CTX: Cerebrotendinous xanthomatosis. Identifiers: Orphanet 909, MedGen C0238052, MONDO:0008948, OMIM 213700.

Allele frequency attached by ClinVar (database versions not stated): gnomAD exomes below 0.00001.
gnomAD v4.1: 1 of 1,613,540 alleles (0.000062%); highest among the groups gnomAD compares: Non-Finnish European, 0.000085%; no homozygotes.

Submissions (3):

Baylor Genetics
Classification: Likely pathogenic for Cholestanol storage disease. Last evaluated: 2024-01-04. Review status: criteria provided, single submitter. Criteria: ACMG Guidelines, 2015. Collection method: clinical testing. Allele origin: unknown.

Blueprint Genetics
Classification: Likely pathogenic for CYP27A1-related disorders. Last evaluated: 2021-07-02. Review status: criteria provided, single submitter. Criteria: ACMG Guidelines, 2015. Collection method: clinical testing. Allele origin: germline. Affected: yes. Observed: 1 variant allele.

Labcorp Genetics (formerly Invitae), Labcorp
Classification: Likely pathogenic for Cholestanol storage disease. Last evaluated: 2021-05-07. Review status: criteria provided, single submitter. Criteria: Invitae Variant Classification Sherloc (09022015). Collection method: clinical testing. Allele origin: germline.
Comment: In summary, the currently available evidence indicates that the variant is pathogenic, but additional data are needed to prove that conclusively. Therefore, this variant has been classified as Likely Pathogenic. Algorithms developed to predict the effect of sequence changes on RNA splicing suggest that this variant may disrupt the consensus splice site, but this prediction has not been confirmed by published transcriptional studies. This variant has not been reported in the literature in individuals with CYP27A1-related conditions. This variant is not present in population databases (ExAC no frequency). This sequence change affects an acceptor splice site in intron 2 of the CYP27A1 gene. It is expected to disrupt RNA splicing. Variants that disrupt the donor or acceptor splice site typically lead to a loss of protein function (PMID: 16199547), and loss-of-function variants in CYP27A1 are known to be pathogenic (PMID: 9392430, 10775536, 26937392).

Literature cited by the submitters: PubMed 16199547 (cited by Labcorp Genetics (formerly Invitae), Labcorp); PubMed 9392430 (cited by Labcorp Genetics (formerly Invitae), Labcorp); PubMed 10775536 (cited by Labcorp Genetics (formerly Invitae), Labcorp); PubMed 26937392 (cited by Labcorp Genetics (formerly Invitae), Labcorp).

NM_000784.4(CYP27A1):c.447-1G>A

Gene: CYP27A1 (cytochrome P450 family 27 subfamily A member 1; plus strand). Cytogenetic location: 2q35.
Variant type: single nucleotide variant.
Coding change: c.447-1G>A on transcript NM_000784.4 (MANE Select); the canonical splice acceptor site of the intron before coding-DNA position 447, G replaced by A.
Molecular consequence: splice acceptor variant.
Genome position (GRCh38, 1-based): chr2:218,812,221, G>A. VCF-style: chr2-218812221-G-A. GRCh37 (hg19) VCF-style: chr2-219676944-G-A.
Identifiers: ClinVar variation 1483601 (VCV001483601.10), dbSNP rs2105979879, ClinGen allele CA350584756.